The following is an entry in ClinVar:

ClinVar aggregate classification (germline): Uncertain significance (1 of 4 stars; one submission).

Submission:

Labcorp Genetics (formerly Invitae), Labcorp
Classification: Uncertain significance. Last evaluated: 2018-12-06. Review status: criteria provided, single submitter. Criteria: Invitae Variant Classification Sherloc (09022015). Collection method: clinical testing. Allele origin: germline.
Comment: This sequence change replaces glutamic acid with glutamine at codon 356 of the ATP2B3 protein (p.Glu356Gln). The glutamic acid residue is highly conserved and there is a small physicochemical difference between glutamic acid and glutamine. This variant is not present in population databases (ExAC no frequency). This variant has not been reported in the literature in individuals with ATP2B3-related conditions. Algorithms developed to predict the effect of missense changes on protein structure and function are either unavailable or do not agree on the potential impact of this missense change (SIFT: "Tolerated"; PolyPhen-2: "Possibly Damaging"; Align-GVGD: "Class C0"). In summary, the available evidence is currently insufficient to determine the role of this variant in disease. Therefore, it has been classified as a Variant of Uncertain Significance.

NM_001001344.3(ATP2B3):c.1066G>C (p.Glu356Gln)

Gene: ATP2B3 (ATPase plasma membrane Ca2+ transporting 3; plus strand). Cytogenetic location: Xq28.
Variant type: single nucleotide variant.
Coding change: c.1066G>C on transcript NM_001001344.3 (MANE Select); coding-DNA position 1066, G replaced by C.
Protein change: p.Glu356Gln; replaces glutamic acid 356 with glutamine.
Molecular consequence: missense variant.
Genome position (GRCh38, 1-based): chrX:153,547,942, G>C. VCF-style: chrX-153547942-G-C. GRCh37 (hg19) VCF-style: chrX-152813400-G-C.
Other names: c.1066G>C, p.Glu356Gln (NM_001388360.1, NM_001388361.1, NM_001388362.1 and 1 more transcripts); short protein forms E356Q.
Identifiers: ClinVar variation 643469 (VCV000643469.8), dbSNP rs1603067696, ClinGen allele CA415081320.
Genomic context (GRCh38, chrX:153,547,942, plus strand): 5'-AGCGCGGAGGGTGGGGAGATGGAGGAGCGGGAGAAGAAGAAAGCCAACGCACCCAAAAAG[G>C]AGAAGTCTGTCCTTCAGGGGAAGCTCACAAAGCTAGCCGTGCAGATCGGGAAAGCAGGTA-3'
Protein context (NP_001001344.1, residues 346-366): EKKKANAPKK[Glu356Gln]KSVLQGKLTK